The following is an entry in ClinVar:

ClinVar aggregate classification (germline): Uncertain significance. Review status: criteria provided, multiple submitters, no conflicts (2 of 4 stars). 3 submissions from 3 submitters: Uncertain significance (3). Last evaluated 2025-09-06.

Conditions:
DIAPH1-related disorder. Also called: DIAPH1-related condition.
Autosomal dominant nonsyndromic hearing loss 1. Also called: DEAFNESS, AUTOSOMAL DOMINANT 1, WITH OR WITHOUT THROMBOCYTOPENIA; KONIGSMARK SYNDROME. Identifiers: Orphanet 90635, MedGen C1852282, MONDO:0007424, OMIM 124900.
Progressive microcephaly-seizures-cortical blindness-developmental delay syndrome. Also called: Seizures, cortical blindness, and microcephaly syndrome. Identifiers: Orphanet 477814, MedGen C5567650, MONDO:0014714, OMIM 616632.

Allele frequency attached by ClinVar (database versions not stated): TOPMed 0.00001.
gnomAD v4.1: 19 of 1,602,928 alleles (0.0012%); highest among the groups gnomAD compares: Admixed American, 0.0017%; no homozygotes.

Submissions (3):

Labcorp Genetics (formerly Invitae), Labcorp
Classification: Uncertain significance for Progressive microcephaly-seizures-cortical blindness-developmental delay syndrome; Autosomal dominant nonsyndromic hearing loss 1. Last evaluated: 2025-09-06. Review status: criteria provided, single submitter. Criteria: Invitae Variant Classification Sherloc (09022015). Collection method: clinical testing. Allele origin: germline.
Comment: This sequence change replaces proline, which is neutral and non-polar, with arginine, which is basic and polar, at codon 719 of the DIAPH1 protein (p.Pro719Arg). This variant is present in population databases (no rsID available, gnomAD 0.002%). This variant has not been reported in the literature in individuals affected with DIAPH1-related conditions. ClinVar contains an entry for this variant (Variation ID: 935419). Experimental studies and prediction algorithms are not available or were not evaluated, and the functional significance of this variant is currently unknown. In summary, the available evidence is currently insufficient to determine the role of this variant in disease. Therefore, it has been classified as a Variant of Uncertain Significance.

PreventionGenetics, part of Exact Sciences
Classification: Uncertain significance for DIAPH1-related condition. Last evaluated: 2025-08-26. Review status: criteria provided, single submitter. Criteria: ACMG Guidelines, 2015. Collection method: clinical testing. Allele origin: germline.
Comment: The DIAPH1 c.2156C>G variant is predicted to result in the amino acid substitution p.Pro719Arg. To our knowledge, this variant has not been reported in the literature. This variant is reported in 0.0019% of alleles in individuals of European (Non-Finnish) descent in gnomAD. At this time, the clinical significance of this variant is uncertain due to the absence of conclusive functional and genetic evidence.

GeneDx
Classification: Uncertain significance. Last evaluated: 2025-03-05. Review status: criteria provided, single submitter. Criteria: GeneDx Variant Classification Process June 2021. Collection method: clinical testing. Allele origin: germline. Affected: yes.
Comment: In silico analysis supports that this missense variant has a deleterious effect on protein structure/function; Has not been previously published as pathogenic or benign to our knowledge

NM_005219.5(DIAPH1):c.2156C>G (p.Pro719Arg)

Gene: DIAPH1 (diaphanous related formin 1; minus strand). Cytogenetic location: 5q31.3.
Variant type: single nucleotide variant.
Coding change: c.2156C>G on transcript NM_005219.5 (MANE Select); coding-DNA position 2156, C replaced by G.
Protein change: p.Pro719Arg; replaces proline 719 with arginine.
Molecular consequence: missense variant.
Genome position (GRCh38, 1-based): chr5:141,573,694, G>C on the plus strand (C>G on the coding strand, the complement: DIAPH1 is on the minus strand). VCF-style: chr5-141573694-G-C. GRCh37 (hg19) VCF-style: chr5-140953261-G-C.
Other names: c.2129C>G, p.Pro710Arg (NM_001079812.3); c.2156C>G, p.Pro719Arg (NM_001314007.2); short protein forms P710R, P719R.
Identifiers: ClinVar variation 935419 (VCV000935419.12), dbSNP rs770966255, ClinGen allele CA128437019.